The following is an entry in ClinVar:

NM_001849.4(COL6A2):c.1835G>C (p.Gly612Ala)

Gene: COL6A2 (collagen type VI alpha 2 chain; plus strand). Cytogenetic location: 21q22.3.
Variant type: single nucleotide variant.
Coding change: c.1835G>C on transcript NM_001849.4 (MANE Select); coding-DNA position 1835, G replaced by C.
Protein change: p.Gly612Ala; replaces glycine 612 with alanine.
Molecular consequence: missense variant.
Genome position (GRCh38, 1-based): chr21:46,125,483, G>C. VCF-style: chr21-46125483-G-C. GRCh37 (hg19) VCF-style: chr21-47545397-G-C.
Other names: c.1835G>C, p.Gly612Ala (NM_058174.3, NM_058175.3); short protein forms G612A.
Identifiers: ClinVar variation 1921109 (VCV001921109.7), dbSNP rs1328804485, ClinGen allele CA410538439.

ClinVar aggregate classification (germline): Uncertain significance. Review status: criteria provided, multiple submitters, no conflicts (2 of 4 stars). 2 submissions from 2 submitters: Uncertain significance (2). Last evaluated 2025-11-10.

Conditions:
Bethlem myopathy 1A. Also called: Bethlem myopathy 1; MYOPATHY, BENIGN CONGENITAL, WITH CONTRACTURES; Bethlem Muscular Dystrophy. Identifiers: Orphanet 610, MedGen CN029274, MONDO:0024530, OMIM 158810.
Inborn genetic diseases. Identifiers: MedGen C0950123, MeSH D030342.

Submissions (2):

Labcorp Genetics (formerly Invitae), Labcorp
Classification: Uncertain significance for Bethlem myopathy 1A. Last evaluated: 2025-11-10. Review status: criteria provided, single submitter. Criteria: Invitae Variant Classification Sherloc (09022015). Collection method: clinical testing. Allele origin: germline.
Comment: This sequence change replaces glycine, which is neutral and non-polar, with alanine, which is neutral and non-polar, at codon 612 of the COL6A2 protein (p.Gly612Ala). This variant is not present in population databases (gnomAD no frequency). This variant has not been reported in the literature in individuals affected with COL6A2-related conditions. ClinVar contains an entry for this variant (Variation ID: 1921109). Invitae Evidence Modeling of protein sequence and biophysical properties (such as structural, functional, and spatial information, amino acid conservation, physicochemical variation, residue mobility, and thermodynamic stability) indicates that this missense variant is expected to disrupt COL6A2 protein function with a positive predictive value of 80%. In summary, the available evidence is currently insufficient to determine the role of this variant in disease. Therefore, it has been classified as a Variant of Uncertain Significance.

Ambry Genetics
Classification: Uncertain significance for Inborn genetic diseases. Last evaluated: 2025-08-22. Review status: criteria provided, single submitter. Criteria: Ambry Variant Classification Scheme 2023. Collection method: clinical testing. Allele origin: germline.